The following is an entry in ClinVar:

NM_001367624.2(ZNF469):c.10888C>T (p.Arg3630Cys)

Gene: ZNF469 (zinc finger protein 469; plus strand). Cytogenetic location: 16q24.2.
Variant type: single nucleotide variant.
Coding change: c.10888C>T on transcript NM_001367624.2 (MANE Select); coding-DNA position 10888, C replaced by T.
Protein change: p.Arg3630Cys; replaces arginine 3630 with cysteine.
Molecular consequence: missense variant.
Genome position (GRCh38, 1-based): chr16:88,438,358, C>T. VCF-style: chr16-88438358-C-T. GRCh37 (hg19) VCF-style: chr16-88504766-C-T.
Other names: NM_001127464.1:c.10804C>T; NM_001127464.2:c.10804C>T; p.Arg3630Cys; short protein forms R3630C.
Identifiers: ClinVar variation 421677 (VCV000421677.55), dbSNP rs200668806, ClinGen allele CA8225560.

ClinVar aggregate classification (germline): Conflicting classifications of pathogenicity. Review status: criteria provided, conflicting classifications (1 of 4 stars). 12 submissions from 12 submitters: Uncertain significance (2); Likely benign (8). 2 of the submissions do not count toward it. Last evaluated 2026-04-08.

Conditions:
Cardiovascular phenotype. Identifiers: MedGen CN230736.
Ehlers-Danlos syndrome (EDS). Identifiers: Orphanet 98249, MedGen C0013720, MONDO:0020066.
Brittle cornea syndrome 1 (BCS1). Also called: DYSGENESIS MESODERMALIS CORNEAE ET SCLERAE; CORNEAL FRAGILITY, KERATOGLOBUS, BLUE SCLERAE, JOINT HYPEREXTENSIBILITY; EDS6B; FRAGILITAS OCULI WITH JOINT HYPEREXTENSIBILITY; Corneal fragility keratoglobus, blue sclerae AND joint hypermobility. Identifiers: Orphanet 90354, MedGen C0268344, MONDO:0024543, OMIM 229200.

Allele frequency attached by ClinVar (database versions not stated): ExAC 0.00119; gnomAD exomes 0.00152 and 0.00318; gnomAD 0.00178 and 0.00179; TOPMed 0.00193; 1000 Genomes Project 0.00080; 1000 Genomes Project 30x 0.00109.
gnomAD v4.1: 4,771 of 1,550,196 alleles (0.31%); highest among the groups gnomAD compares: Non-Finnish European, 0.39%; 12 homozygotes.

Submissions (12):

Women's Health and Genetics/Laboratory Corporation of America, LabCorp
Classification: Likely benign. Last evaluated: 2026-04-08. Review status: criteria provided, single submitter. Criteria: LabCorp Variant Classification Summary - May 2015. Collection method: clinical testing. Allele origin: germline.
Comment: Variant summary: ZNF469 c.10888C>T (p.Arg3630Cys) results in a non-conservative amino acid change in the encoded protein sequence. Algorithms developed to predict the effect of missense changes on protein structure and function are either unavailable or do not agree on the potential impact of this missense change. The variant allele was found at a frequency of 0.0015 in 149024 control chromosomes, predominantly at a frequency of 0.0034 within the Non-Finnish European subpopulation in the gnomAD database, including 1 homozygotes. The observed variant frequency within Non-Finnish European control individuals in the gnomAD database exceeds the estimated maximal expected allele frequency for disease-causing variants in ZNF469. To our knowledge, no occurrence of c.10888C>T in individuals affected with ZNF469-related conditions and no experimental evidence demonstrating its impact on protein function have been reported. ClinVar contains an entry for this variant (Variation ID: 421677). Based on the evidence outlined above, the variant was classified as likely benign.

Labcorp Genetics (formerly Invitae), Labcorp
Classification: Likely benign. Last evaluated: 2026-01-28. Review status: criteria provided, single submitter. Criteria: Invitae Variant Classification Sherloc (09022015). Collection method: clinical testing. Allele origin: germline.

CeGaT Center for Human Genetics Tuebingen
Classification: Likely benign. Last evaluated: 2025-10-01. Review status: criteria provided, single submitter. Criteria: CeGaT Center For Human Genetics Tuebingen Variant Classification Criteria Version 2. Collection method: clinical testing. Allele origin: germline. Affected: yes. Observed: 8 variant alleles.
Comment: ZNF469: BP4, BS2

Mayo Clinic Laboratories, Mayo Clinic
Classification: Likely benign. Last evaluated: 2024-12-17. Review status: criteria provided, single submitter. Criteria: ACMG Guidelines, 2015. Collection method: clinical testing. Allele origin: germline. Observed: 20 variant alleles.
Comment: BS1, BP4_moderate

Blueprint Genetics
Classification: Likely benign. Last evaluated: 2024-11-27. Review status: criteria provided, single submitter. Criteria: ACMG Guidelines, 2015. Collection method: clinical testing. Allele origin: germline.

Department of Pathology and Laboratory Medicine, Sinai Health System
Classification: Uncertain significance for Brittle cornea syndrome 1. Last evaluated: 2022-03-25. Review status: criteria provided, single submitter. Criteria: ACMG Guidelines, 2015. Collection method: research. Allele origin: germline.

Genome Diagnostics Laboratory, The Hospital for Sick Children
Classification: Likely benign for Ehlers-Danlos syndrome. Last evaluated: 2022-03-01. Review status: criteria provided, single submitter. Criteria: ACMG Guidelines, 2015. Collection method: clinical testing. Allele origin: germline.

GeneDx
Classification: Likely benign. Last evaluated: 2021-02-26. Review status: criteria provided, single submitter. Criteria: GeneDx Variant Classification Process June 2021. Collection method: clinical testing. Allele origin: germline. Affected: yes.
Comment: This variant is associated with the following publications: (PMID: 24895405)

Ambry Genetics
Classification: Likely benign for Cardiovascular phenotype. Last evaluated: 2019-02-14. Review status: criteria provided, single submitter. Criteria: Ambry Variant Classification Scheme 2023. Collection method: clinical testing. Allele origin: germline.

Fulgent Genetics
Classification: Uncertain significance for Brittle cornea syndrome 1. Last evaluated: 2018-10-31. Review status: criteria provided, single submitter. Criteria: ACMG Guidelines, 2015. Collection method: clinical testing. Allele origin: unknown.

Clinical Genetics DNA and cytogenetics Diagnostics Lab, Erasmus MC, Erasmus Medical Center
Classification: Likely benign. Review status: no assertion criteria provided. Collection method: clinical testing. Allele origin: germline. Affected: yes. Study: VKGL Data-share Consensus. Not counted in ClinVar's aggregate classification.

Genome Diagnostics Laboratory, Amsterdam University Medical Center
Classification: Likely benign. Review status: no assertion criteria provided. Collection method: clinical testing. Allele origin: germline. Affected: yes. Study: VKGL Data-share Consensus. Not counted in ClinVar's aggregate classification.

Literature cited by the submitters: PubMed 29228253 (cited by Women's Health and Genetics/Laboratory Corporation of America, LabCorp and Ambry Genetics); PubMed 36484990 (cited by Mayo Clinic Laboratories, Mayo Clinic).